The following is an entry in ClinVar:

NM_213653.4(HJV):c.962_963delinsAA (p.Cys321Ter)

Gene: HJV (hemojuvelin BMP co-receptor; minus strand). Cytogenetic location: 1q21.1.
Variant type: Indel.
Coding change: c.962_963delinsAA on transcript NM_213653.4 (MANE Select); coding-DNA positions 962 to 963, GC replaced by AA.
Protein change: p.Cys321Ter; replaces cysteine 321 with a stop codon.
Molecular consequence: nonsense.
Genome position (GRCh38, 1-based): chr1:146,018,395-146,018,396, GC replaced by TT on the plus strand (GC replaced by AA on the coding strand, the reverse complement: HJV is on the minus strand). VCF-style: chr1-146018395-GC-TT. GRCh37 (hg19) VCF-style: chr1-145416617-GC-AA.
Other names: c.284_285delinsAA, p.Cys95Ter (NM_001316767.2, NM_202004.4, NM_213652.4); c.962_963delinsAA, p.Cys321Ter (NM_001379352.1); c.623_624delinsAA, p.Cys208Ter (NM_145277.5); c.962_963delGCinsAA (NM_213653.3); short protein forms C208*, C321*, C95*.
Identifiers: ClinVar variation 2733978 (VCV002733978.6), dbSNP rs2525744586, ClinGen allele CA2586967192.

ClinVar aggregate classification (germline): Pathogenic. Review status: criteria provided, multiple submitters, no conflicts (2 of 4 stars). 3 submissions from 3 submitters: Pathogenic (3). Last evaluated 2025-05-14.

Conditions:
Hemochromatosis type 2A (HFE2A). Also called: Adult-Onset Hemochromatosis; HJV (HFE2)-Related Juvenile Hemochromatosis. Identifiers: Orphanet 79230, MedGen C1865614, MONDO:0011216, OMIM 602390.

Submissions (3):

Natera, Inc.
Classification: Pathogenic for Hemochromatosis type 2A. Last evaluated: 2025-05-14. Review status: criteria provided, single submitter. Criteria: Natera Variant Classification Schema (03/2026). Collection method: clinical testing. Allele origin: germline.
Comment: The c.962_963delGCinsAA variant in HJV is a deletion-insertion (delins) variant predicted to replace one or more nucleotides with a different sequence. This variant is expected to result in nonsense mediated decay, truncation, or a dysfunctional protein product. This variant is rare in the general population with a frequency below the threshold expected for the associated phenotype(s). This variant has been observed in one or more individuals affected with the associated recessive disease, as either homozygous or compound heterozygous with a second variant (PMID: 38994316, 15138164, 32824233). Given the available evidence, this variant is classified as Pathogenic.

Labcorp Genetics (formerly Invitae), Labcorp
Classification: Pathogenic. Last evaluated: 2023-12-13. Review status: criteria provided, single submitter. Criteria: Invitae Variant Classification Sherloc (09022015). Collection method: clinical testing. Allele origin: germline.
Comment: This sequence change creates a premature translational stop signal (p.Cys321*) in the HJV gene. While this is not anticipated to result in nonsense mediated decay, it is expected to disrupt the last 106 amino acid(s) of the HJV protein. This variant is present in population databases (no rsID available, gnomAD 0.0004%). This premature translational stop signal has been observed in individual(s) with juvenile hemochromatosis (PMID: 15138164, 24584909, 25567873, 30166352). This variant is also known as 962G>A and 963C>A. This variant disrupts a region of the HJV protein in which other variant(s) (p.Arg385*) have been determined to be pathogenic (PMID: 14982873, 30389309). This suggests that this is a clinically significant region of the protein, and that variants that disrupt it are likely to be disease-causing. For these reasons, this variant has been classified as Pathogenic.

Juno Genomics, Hangzhou Juno Genomics, Inc
Classification: Pathogenic for Hemochromatosis type 2A. Review status: criteria provided, single submitter. Criteria: ACMG Guidelines, 2015. Collection method: clinical testing. Allele origin: germline. Affected: yes.
Comment: Absent from controls (or at extremely low frequency if recessive) in Genome Aggregation Database, Exome Sequencing Project, 1000 Genomes Project, or Exome Aggregation Consortium.;For recessive disorders, detected in trans with a pathogenic variant.;Patient's phenotype or family history is highly specific for a disease with a single genetic etiology.;Null variant in a gene where loss of function (LOF) is a known mechanism of disease.

Literature cited by the submitters: PubMed 38994316 (cited by Natera, Inc.); PubMed 15138164 (cited by Natera, Inc. and Labcorp Genetics (formerly Invitae), Labcorp); PubMed 32824233 (cited by Natera, Inc.); PubMed 24584909 (cited by Labcorp Genetics (formerly Invitae), Labcorp); PubMed 25567873 (cited by Labcorp Genetics (formerly Invitae), Labcorp); PubMed 30166352 (cited by Labcorp Genetics (formerly Invitae), Labcorp); PubMed 14982873 (cited by Labcorp Genetics (formerly Invitae), Labcorp); PubMed 30389309 (cited by Labcorp Genetics (formerly Invitae), Labcorp).